The following is an entry in ClinVar:

ClinVar aggregate classification (germline): Likely benign (0 of 4 stars; one submission).

Conditions:
PLP1-related disorder. Also called: PLP1-Related Disorders; PLP1-related condition. Identifiers: MedGen CN378767.

Allele frequency attached by ClinVar (database versions not stated): ExAC 0.00001; gnomAD exomes 0.00001; gnomAD 0.00004; TOPMed 0.00004.
gnomAD v4.1: 15 of 1,160,925 alleles (0.0013%); highest among the groups gnomAD compares: Admixed American, 0.0088%; no homozygotes.

Submission:

PreventionGenetics, part of Exact Sciences
Classification: Likely benign for PLP1-related condition. Last evaluated: 2024-01-30. Review status: no assertion criteria provided. Collection method: clinical testing. Allele origin: germline.
Comment: This variant is classified as likely benign based on ACMG/AMP sequence variant interpretation guidelines (Richards et al. 2015 PMID: 25741868, with internal and published modifications).

NM_000533.5(PLP1):c.453+55C>T

Genes: PLP1 (proteolipid protein 1; plus strand), RAB9B (RAB9B, member RAS oncogene family; minus strand). Cytogenetic location: Xq22.2.
Variant type: single nucleotide variant.
Coding change: c.453+55C>T on transcript NM_000533.5 (MANE Select); 55 bases into the intron after coding-DNA position 453, C replaced by T.
Molecular consequence: intron variant.
Genome position (GRCh38, 1-based): chrX:103,786,781, C>T. VCF-style: chrX-103786781-C-T. GRCh37 (hg19) VCF-style: chrX-103041710-C-T.
Other names: c.453+55C>T (NM_001128834.3); c.348+160C>T (NM_199478.3); c.288+55C>T (NM_001305004.1).
Identifiers: ClinVar variation 3032269 (VCV003032269.2), dbSNP rs762333078, ClinGen allele CA10478964.